The following is an entry in ClinVar:

NM_001080.3(ALDH5A1):c.758T>C (p.Val253Ala)

Gene: ALDH5A1 (aldehyde dehydrogenase 5 family member A1; plus strand). Cytogenetic location: 6p22.3.
Variant type: single nucleotide variant.
Coding change: c.758T>C on transcript NM_001080.3 (MANE Select); coding-DNA position 758, T replaced by C.
Protein change: p.Val253Ala; replaces valine 253 with alanine.
Molecular consequence: missense variant. On other transcripts: intron variant (1).
Genome position (GRCh38, 1-based): chr6:24,515,198, T>C. VCF-style: chr6-24515198-T-C. GRCh37 (hg19) VCF-style: chr6-24515426-T-C.
Other names: c.797T>C, p.Val266Ala (NM_170740.1); c.727-5203T>C (NM_001368954.1); short protein forms V253A, V266A.
Identifiers: ClinVar variation 1408738 (VCV001408738.6), dbSNP rs1201676111, ClinGen allele CA362971578.

ClinVar aggregate classification (germline): Uncertain significance. Review status: criteria provided, multiple submitters, no conflicts (2 of 4 stars). 2 submissions from 2 submitters: Uncertain significance (2). Last evaluated 2025-01-10.

Conditions:
Succinate-semialdehyde dehydrogenase deficiency (SSADHD). Also called: Succinic Semialdehyde Dehydrogenase Deficiency; SSADH DEFICIENCY; 4-HYDROXYBUTYRIC ACIDURIA; GABA METABOLIC DEFECT. Identifiers: Orphanet 22, MedGen C0268631, MONDO:0010083, OMIM 271980.
Inborn genetic diseases. Identifiers: MedGen C0950123, MeSH D030342.

Allele frequency attached by ClinVar (database versions not stated): gnomAD exomes below 0.00001; TOPMed below 0.00001.
gnomAD v4.1: 7 of 1,613,310 alleles (0.00043%); highest among the groups gnomAD compares: Non-Finnish European, 0.00051%; no homozygotes.

Submissions (2):

Ambry Genetics
Classification: Uncertain significance for Inborn genetic diseases. Last evaluated: 2025-01-10. Review status: criteria provided, single submitter. Criteria: Ambry Variant Classification Scheme 2023. Collection method: clinical testing. Allele origin: germline.

Labcorp Genetics (formerly Invitae), Labcorp
Classification: Uncertain significance for Succinate-semialdehyde dehydrogenase deficiency. Last evaluated: 2022-06-22. Review status: criteria provided, single submitter. Criteria: Invitae Variant Classification Sherloc (09022015). Collection method: clinical testing. Allele origin: germline.
Comment: This sequence change replaces valine, which is neutral and non-polar, with alanine, which is neutral and non-polar, at codon 253 of the ALDH5A1 protein (p.Val253Ala). This variant is present in population databases (no rsID available, gnomAD 0.0009%). This variant has not been reported in the literature in individuals affected with ALDH5A1-related conditions. Advanced modeling of protein sequence and biophysical properties (such as structural, functional, and spatial information, amino acid conservation, physicochemical variation, residue mobility, and thermodynamic stability) performed at Invitae indicates that this missense variant is not expected to disrupt ALDH5A1 protein function. In summary, the available evidence is currently insufficient to determine the role of this variant in disease. Therefore, it has been classified as a Variant of Uncertain Significance.